The following is an entry in ClinVar:

NM_014915.3(ANKRD26):c.1480C>A (p.Leu494Ile)

Gene: ANKRD26 (ankyrin repeat domain containing 26; minus strand). Cytogenetic location: 10p12.1.
Variant type: single nucleotide variant.
Coding change: c.1480C>A on transcript NM_014915.3 (MANE Select); coding-DNA position 1480, C replaced by A.
Protein change: p.Leu494Ile; replaces leucine 494 with isoleucine.
Molecular consequence: missense variant.
Genome position (GRCh38, 1-based): chr10:27,060,523, G>T on the plus strand (C>A on the coding strand, the complement: ANKRD26 is on the minus strand). VCF-style: chr10-27060523-G-T. GRCh37 (hg19) VCF-style: chr10-27349452-G-T.
Other names: c.1480C>A, p.Leu494Ile (NM_001256053.2); short protein forms L494I.
Identifiers: ClinVar variation 3871914 (VCV003871914.1).

ClinVar aggregate classification (germline): Uncertain significance (1 of 4 stars; one submission).

Conditions:
Inborn genetic diseases. Identifiers: MedGen C0950123, MeSH D030342.

gnomAD v4.1: 2 of 1,546,758 alleles (0.00013%); highest among the groups gnomAD compares: Non-Finnish European, 0.00018%; no homozygotes.

Submission:

Ambry Genetics
Classification: Uncertain significance for Inborn genetic diseases. Last evaluated: 2025-03-02. Review status: criteria provided, single submitter. Criteria: Ambry Variant Classification Scheme 2023. Collection method: clinical testing. Allele origin: germline.
Comment: The p.L494I variant (also known as c.1480C>A), located in coding exon 14 of the ANKRD26 gene, results from a C to A substitution at nucleotide position 1480. The leucine at codon 494 is replaced by isoleucine, an amino acid with highly similar properties. This amino acid position is conserved. In addition, this alteration is predicted to be tolerated by in silico analysis. Based on the available evidence, the clinical significance of this variant remains unclear.